The following is an entry in ClinVar:

ClinVar aggregate classification (germline): Uncertain significance (1 of 4 stars; one submission).

Conditions:
Epidermodysplasia verruciformis. Identifiers: Orphanet 302, MedGen C0014522, MONDO:0009176.

Allele frequency attached by ClinVar (database versions not stated): TOPMed 0.00006; ExAC 0.00007; gnomAD exomes 0.00007 and 0.00008; gnomAD 0.00008 and 0.00009; 1000 Genomes Project 30x 0.00016; 1000 Genomes Project 0.00020.
gnomAD v4.1: 112 of 1,612,140 alleles (0.0069%); highest among the groups gnomAD compares: Non-Finnish European, 0.0038%; 1 homozygote.

Submission:

Labcorp Genetics (formerly Invitae), Labcorp
Classification: Uncertain significance for Epidermodysplasia verruciformis. Last evaluated: 2022-02-05. Review status: criteria provided, single submitter. Criteria: Invitae Variant Classification Sherloc (09022015). Collection method: clinical testing. Allele origin: germline.
Comment: This sequence change replaces arginine, which is basic and polar, with cysteine, which is neutral and slightly polar, at codon 526 of the TMC8 protein (p.Arg526Cys). This variant is present in population databases (rs199993214, gnomAD 0.2%). This variant has not been reported in the literature in individuals affected with TMC8-related conditions. ClinVar contains an entry for this variant (Variation ID: 1044102). Algorithms developed to predict the effect of missense changes on protein structure and function (SIFT, PolyPhen-2, Align-GVGD) all suggest that this variant is likely to be disruptive. In summary, the available evidence is currently insufficient to determine the role of this variant in disease. Therefore, it has been classified as a Variant of Uncertain Significance.

NM_152468.5(TMC8):c.1576C>T (p.Arg526Cys)

Gene: TMC8 (transmembrane channel like 8; plus strand). Cytogenetic location: 17q25.3.
Variant type: single nucleotide variant.
Coding change: c.1576C>T on transcript NM_152468.5 (MANE Select); coding-DNA position 1576, C replaced by T.
Protein change: p.Arg526Cys; replaces arginine 526 with cysteine.
Molecular consequence: missense variant.
Genome position (GRCh38, 1-based): chr17:78,138,391, C>T. VCF-style: chr17-78138391-C-T. GRCh37 (hg19) VCF-style: chr17-76134472-C-T.
Other names: short protein forms R526C.
Identifiers: ClinVar variation 1044102 (VCV001044102.6), dbSNP rs199993214, ClinGen allele CA8796929.